The following is an entry in ClinVar:

NM_000275.3(OCA2):c.1365-10T>C

Gene: OCA2 (OCA2 melanosomal transmembrane protein; minus strand). Cytogenetic location: 15q13.1.
Variant type: single nucleotide variant.
Coding change: c.1365-10T>C on transcript NM_000275.3 (MANE Select); 10 bases into the intron before coding-DNA position 1365, T replaced by C.
Molecular consequence: intron variant.
Genome position (GRCh38, 1-based): chr15:27,983,493, A>G on the plus strand (T>C on the coding strand, the complement: OCA2 is on the minus strand). VCF-style: chr15-27983493-A-G. GRCh37 (hg19) VCF-style: chr15-28228639-A-G.
Other names: c.1293-10T>C (NM_001300984.2).
Identifiers: ClinVar variation 515929 (VCV000515929.5), dbSNP rs745738408, ClinGen allele CA7439051.

ClinVar aggregate classification (germline): Likely benign. Review status: criteria provided, multiple submitters, no conflicts (2 of 4 stars). 2 submissions from 2 submitters: Likely benign (2). Last evaluated 2023-09-08.

Allele frequency attached by ClinVar (database versions not stated): gnomAD exomes below 0.00001 and 0.00002; ExAC 0.00001; TOPMed 0.00001; gnomAD 0.00002.
gnomAD v4.1: 34 of 1,614,022 alleles (0.0021%); highest among the groups gnomAD compares: Non-Finnish European, 0.0029%; no homozygotes.

Submissions (2):

Labcorp Genetics (formerly Invitae), Labcorp
Classification: Likely benign. Last evaluated: 2023-09-08. Review status: criteria provided, single submitter. Criteria: Invitae Variant Classification Sherloc (09022015). Collection method: clinical testing. Allele origin: germline.

GeneDx
Classification: Likely benign. Last evaluated: 2018-03-02. Review status: criteria provided, single submitter. Criteria: GeneDx Variant Classification (06012015). Collection method: clinical testing. Allele origin: germline. Affected: yes.
Comment: This variant is considered likely benign or benign based on one or more of the following criteria: it is a conservative change, it occurs at a poorly conserved position in the protein, it is predicted to be benign by multiple in silico algorithms, and/or has population frequency not consistent with disease.